The following is an entry in ClinVar:

ClinVar aggregate classification (germline): Uncertain significance (1 of 4 stars; one submission).

Submission:

GeneDx
Classification: Uncertain significance. Last evaluated: 2024-10-23. Review status: criteria provided, single submitter. Criteria: GeneDx Variant Classification Process June 2021. Collection method: clinical testing. Allele origin: germline. Affected: yes.
Comment: Not observed at significant frequency in large population cohorts (gnomAD); In silico analysis supports that this missense variant has a deleterious effect on protein structure/function; Has not been previously published as pathogenic or benign to our knowledge

NM_004586.3(RPS6KA3):c.407C>A (p.Ala136Asp)

Gene: RPS6KA3 (ribosomal protein S6 kinase A3; minus strand). Cytogenetic location: Xp22.12.
Variant type: single nucleotide variant.
Coding change: c.407C>A on transcript NM_004586.3 (MANE Select); coding-DNA position 407, C replaced by A.
Protein change: p.Ala136Asp; replaces alanine 136 with aspartic acid.
Molecular consequence: missense variant.
Genome position (GRCh38, 1-based): chrX:20,194,268, G>T on the plus strand (C>A on the coding strand, the complement: RPS6KA3 is on the minus strand). VCF-style: chrX-20194268-G-T. GRCh37 (hg19) VCF-style: chrX-20212386-G-T.
Other names: short protein forms A136D.
Identifiers: ClinVar variation 3893459 (VCV003893459.1).